The following is an entry in ClinVar:

NM_000288.4(PEX7):c.-1G>A

Gene: PEX7 (peroxisomal biogenesis factor 7; plus strand). Cytogenetic location: 6q23.3.
Variant type: single nucleotide variant.
Coding change: c.-1G>A on transcript NM_000288.4 (MANE Select); 1 bases upstream of the start codon, G replaced by A.
Molecular consequence: 5 prime UTR variant.
Genome position (GRCh38, 1-based): chr6:136,822,665, G>A. VCF-style: chr6-136822665-G-A. GRCh37 (hg19) VCF-style: chr6-137143803-G-A.
Identifiers: ClinVar variation 2581680 (VCV002581680.1), dbSNP rs754558087, ClinGen allele CA4017478.
Genomic context (GRCh38, chr6:136,822,665, plus strand): 5'-TGCCTCCGACTCGGAACGGCTTCCGCGGCCGGGGCAGCGAGGGCCGGGGGCGGCGGGCGG[G>A]ATGAGTGCGGTGTGCGGTGGAGCGGCGCGGATGCTGCGGACGCCGGGACGCCACGGCTAC-3'

ClinVar aggregate classification (germline): Uncertain significance (1 of 4 stars; one submission).

Allele frequency attached by ClinVar (database versions not stated): gnomAD exomes below 0.00001; ExAC 0.00009.
gnomAD v4.1: 6 of 1,525,962 alleles (0.00039%); highest among the groups gnomAD compares: South Asian, 0.0048%; no homozygotes.

Submission:

Women's Health and Genetics/Laboratory Corporation of America, LabCorp
Classification: Uncertain significance. Last evaluated: 2023-08-02. Review status: criteria provided, single submitter. Criteria: LabCorp Variant Classification Summary - May 2015. Collection method: clinical testing. Allele origin: germline.
Comment: Variant summary: PEX7 c.-1G>A is located in the untranslated mRNA region upstream of the initiation codon. The variant allele was found at a frequency of 1.6e-05 in 124538 control chromosomes (gnomAD). The available data on variant occurrences in the general population are insufficient to allow any conclusion about variant significance. To our knowledge, no occurrence of c.-1G>A in individuals affected with Rhizomelic Chondrodysplasia Punctata Type 1 and no experimental evidence demonstrating its impact on protein function have been reported. No submitters have cited clinical-significance assessments for this variant to ClinVar after 2014. Based on the evidence outlined above, the variant was classified as uncertain significance.